The following is an entry in ClinVar:

NM_004963.4(GUCY2C):c.3101T>C (p.Leu1034Ser)

Genes: GUCY2C (guanylate cyclase 2C; minus strand), PLBD1-AS1 (PLBD1 antisense RNA 1; plus strand). Cytogenetic location: 12p12.3.
Variant type: single nucleotide variant.
Coding change: c.3101T>C on transcript NM_004963.4 (MANE Select); coding-DNA position 3101, T replaced by C.
Protein change: p.Leu1034Ser; replaces leucine 1034 with serine.
Molecular consequence: missense variant.
Genome position (GRCh38, 1-based): chr12:14,613,238, A>G on the plus strand (T>C on the coding strand, the complement: GUCY2C is on the minus strand). VCF-style: chr12-14613238-A-G. GRCh37 (hg19) VCF-style: chr12-14766172-A-G.
Other names: c.3101T>C (NM_004963.3); short protein forms L1034S.
Identifiers: ClinVar variation 2958018 (VCV002958018.4), dbSNP rs746455153, ClinGen allele CA6462874.
Genomic context (GRCh38, chr12:14,613,238, plus strand): 5'-TTATAGCTGGCTACCCGTCTGGGTTTTTGGCTTCTTATCCCTGCTGCCTGTCTTTTCTGT[A>G]AAGAGTTGGCAATCATGTCTGAAAATTCTGCTTGCAAACGCTGTTGATTCTCCCTGGAAA-3'
Protein context (NP_004954.2, residues 1024-1044): AEFSDMIANS[Leu1034Ser]QKRQAAGIRS

ClinVar aggregate classification (germline): Uncertain significance. Review status: criteria provided, multiple submitters, no conflicts (2 of 4 stars). 2 submissions from 2 submitters: Uncertain significance (2). Last evaluated 2025-08-20.

Conditions:
Inborn genetic diseases. Identifiers: MedGen C0950123, MeSH D030342.

Allele frequency attached by ClinVar (database versions not stated): gnomAD 0.00004; TOPMed 0.00007; ExAC 0.00002; gnomAD exomes 0.00001.
gnomAD v4.1: 28 of 1,613,268 alleles (0.0017%); highest among the groups gnomAD compares: Middle Eastern, 0.016%; no homozygotes.

Submissions (2):

Labcorp Genetics (formerly Invitae), Labcorp
Classification: Uncertain significance. Last evaluated: 2025-08-20. Review status: criteria provided, single submitter. Criteria: Invitae Variant Classification Sherloc (09022015). Collection method: clinical testing. Allele origin: germline.
Comment: This sequence change replaces leucine, which is neutral and non-polar, with serine, which is neutral and polar, at codon 1034 of the GUCY2C protein (p.Leu1034Ser). This variant is present in population databases (rs746455153, gnomAD 0.003%). This variant has not been reported in the literature in individuals affected with GUCY2C-related conditions. ClinVar contains an entry for this variant (Variation ID: 2958018). An algorithm developed to predict the effect of missense changes on protein structure and function (PolyPhen-2) suggests that this variant is likely to be disruptive. In summary, the available evidence is currently insufficient to determine the role of this variant in disease. Therefore, it has been classified as a Variant of Uncertain Significance.

Ambry Genetics
Classification: Uncertain significance for Inborn genetic diseases. Last evaluated: 2024-01-02. Review status: criteria provided, single submitter. Criteria: Ambry Variant Classification Scheme 2023. Collection method: clinical testing. Allele origin: germline.